The following is an entry in ClinVar:

NM_022436.3(ABCG5):c.1323_1324+2del

Genes: ABCG5 (ATP binding cassette subfamily G member 5; minus strand), DYNC2LI1 (dynein cytoplasmic 2 light intermediate chain 1; plus strand). Cytogenetic location: 2p21.
Variant type: Deletion.
Coding change: c.1323_1324+2del on transcript NM_022436.3 (MANE Select); coding-DNA position 1323 through the canonical splice donor site of the intron after coding-DNA position 1324, 4 bases deleted (GTGT; older notation c.1323_1324+2delGTGT).
Molecular consequence: splice donor variant. On other transcripts: intron variant (2).
Genome position (GRCh38, 1-based): chr2:43,823,911-43,823,914, ACAC deleted on the plus strand (GTGT on the coding strand, the reverse complement: ABCG5 is on the minus strand); deleting any 4 consecutive bases within chr2:43,823,911-43,823,915 gives the same sequence; the c. name uses the placement nearest the transcript's 3' end. VCF-style (leftmost placement, unchanged base first): chr2-43823910-TACAC-T. GRCh37 (hg19) VCF-style: chr2-44051049-TACAC-T.
Other names: c.*16-3474_*16-3471del (NM_001348913.2, NM_001348912.2).
Identifiers: ClinVar variation 1468263 (VCV001468263.7), dbSNP rs780744534, ClinGen allele CA1636336.
Genomic context (GRCh38, chr2:43,823,910, plus strand): 5'-TACAGCTGGAGAAGGGAGGTATTTAGGGAGAAAGAGGTGCACCTCCAGCACGTGGGCACT[TACAC>T]AGATTCACAGCGTTCAGCATGCCTGTGTACGGGGTGGCGCCCACAAACTGGTAAAGGAGA-3'

ClinVar aggregate classification (germline): Likely pathogenic (1 of 4 stars; one submission).

Conditions:
Sitosterolemia (STSL). Also called: PHYTOSTEROLEMIA. Identifiers: Orphanet 2882, MedGen C0342907, MONDO:0008863.

Submission:

Labcorp Genetics (formerly Invitae), Labcorp
Classification: Likely pathogenic for Sitosterolemia. Last evaluated: 2023-05-22. Review status: criteria provided, single submitter. Criteria: Invitae Variant Classification Sherloc (09022015). Collection method: clinical testing. Allele origin: germline.
Comment: This variant is present in population databases (rs780744534, gnomAD 0.008%). This variant has not been reported in the literature in individuals affected with ABCG5-related conditions. ClinVar contains an entry for this variant (Variation ID: 1468263). Algorithms developed to predict the effect of sequence changes on RNA splicing suggest that this variant may disrupt the consensus splice site. In summary, the currently available evidence indicates that the variant is pathogenic, but additional data are needed to prove that conclusively. Therefore, this variant has been classified as Likely Pathogenic. This variant results in the deletion of part of exon 9 (c.1323_1324+2del) of the ABCG5 gene. It is expected to disrupt RNA splicing. Variants that disrupt the donor or acceptor splice site typically lead to a loss of protein function (PMID: 16199547), and loss-of-function variants in ABCG5 are known to be pathogenic (PMID: 11138003, 25665839).

Literature cited by the submitters: PubMed 16199547; PubMed 11138003; PubMed 25665839.